The following is an entry in ClinVar:

ClinVar aggregate classification (germline): Uncertain significance (1 of 4 stars; one submission).

Submission:

Labcorp Genetics (formerly Invitae), Labcorp
Classification: Uncertain significance. Last evaluated: 2024-06-08. Review status: criteria provided, single submitter. Criteria: Invitae Variant Classification Sherloc (09022015). Collection method: clinical testing. Allele origin: germline.
Comment: This sequence change replaces lysine, which is basic and polar, with arginine, which is basic and polar, at codon 1000 of the KMT2A protein (p.Lys1000Arg). This variant is not present in population databases (gnomAD no frequency). This variant has not been reported in the literature in individuals affected with KMT2A-related conditions. Advanced modeling of protein sequence and biophysical properties (such as structural, functional, and spatial information, amino acid conservation, physicochemical variation, residue mobility, and thermodynamic stability) has been performed at Invitae for this missense variant, however the output from this modeling did not meet the statistical confidence thresholds required to predict the impact of this variant on KMT2A protein function. In summary, the available evidence is currently insufficient to determine the role of this variant in disease. Therefore, it has been classified as a Variant of Uncertain Significance.

NM_001197104.2(KMT2A):c.2999A>G (p.Lys1000Arg)

Gene: KMT2A (lysine methyltransferase 2A; plus strand). Cytogenetic location: 11q23.3.
Variant type: single nucleotide variant.
Coding change: c.2999A>G on transcript NM_001197104.2 (MANE Select); coding-DNA position 2999, A replaced by G.
Protein change: p.Lys1000Arg; replaces lysine 1000 with arginine.
Molecular consequence: missense variant.
Genome position (GRCh38, 1-based): chr11:118,474,158, A>G. VCF-style: chr11-118474158-A-G. GRCh37 (hg19) VCF-style: chr11-118344873-A-G.
Other names: c.3098A>G, p.Lys1033Arg (NM_001412597.1); c.2999A>G, p.Lys1000Arg (NM_005933.4); short protein forms K1000R, K1033R.
Identifiers: ClinVar variation 3634311 (VCV003634311.2).